The following is an entry in ClinVar:

NM_004100.5(EYA4):c.1759C>T (p.Arg587Ter)

Genes: TARID (TCF21 antisense RNA inducing promoter demethylation; minus strand), EYA4 (EYA transcriptional coactivator and phosphatase 4; plus strand). Cytogenetic location: 6q23.2.
Variant type: single nucleotide variant.
Coding change: c.1759C>T on transcript NM_004100.5 (MANE Select); coding-DNA position 1759, C replaced by T.
Protein change: p.Arg587Ter; replaces arginine 587 with a stop codon.
Molecular consequence: nonsense. On other transcripts: intron variant (3).
Genome position (GRCh38, 1-based): chr6:133,525,174, C>T. VCF-style: chr6-133525174-C-T. GRCh37 (hg19) VCF-style: chr6-133846312-C-T.
Other names: 2200C-T; c.1777C>T, p.Arg593Ter (NM_001301013.2); c.1615C>T, p.Arg539Ter (NM_001370459.1); c.1690C>T, p.Arg564Ter (NM_172103.4); c.1839+59C>T (NM_172105.4); c.1770+59C>T (NM_001370458.1); c.1677+59C>T (NM_001301012.2); short protein forms R587*, R593*, R564*, R539*.
Identifiers: ClinVar variation 523780 (VCV000523780.13), dbSNP rs1554275988, ClinGen allele CA365700536.

ClinVar aggregate classification (germline): Pathogenic/Likely pathogenic. Review status: criteria provided, multiple submitters, no conflicts (2 of 4 stars). 5 submissions from 5 submitters: Pathogenic (3); Likely pathogenic (1). 1 of the submissions does not count toward it. Last evaluated 2026-07-01.

Conditions:
Autosomal dominant nonsyndromic hearing loss 10. Identifiers: Orphanet 90635, MedGen C1832476, MONDO:0011031, OMIM 601316.
Dilated cardiomyopathy 1J (CMD1J). Also called: CARDIOMYOPATHY, DILATED, WITH SENSORINEURAL HEARING LOSS, AUTOSOMAL DOMINANT. Identifiers: Orphanet 217622, MedGen C1854368, MONDO:0011541, OMIM 605362.
Cardiovascular phenotype. Identifiers: MedGen CN230736.
Monogenic hearing loss.

Allele frequency attached by ClinVar (database versions not stated): gnomAD exomes below 0.00001.
gnomAD v4.1: 4 of 1,613,640 alleles (0.00025%); highest among the groups gnomAD compares: Non-Finnish European, 0.00034%; no homozygotes.

Submissions (5):

Ambry Genetics
Classification: Likely pathogenic for Cardiovascular phenotype. Last evaluated: 2026-07-01. Review status: criteria provided, single submitter. Criteria: Ambry Variant Classification Scheme 2023. Collection method: clinical testing. Allele origin: germline.
Comment: The p.R587* variant (also known as c.1759C>T), located in coding exon 18 of the EYA4 gene, results from a C to T substitution at nucleotide position 1759. This changes the amino acid from an arginine to a stop codon within coding exon 18. In addition, in silico splice site analysis predicts that this alteration may weaken the native splice acceptor site; the resulting transcript occurs at the 3' terminus of the gene, is not expected to trigger nonsense-mediated mRNA decay, and impacts the last 9% of the protein. The exact functional effect of this variant is unknown; however, the region predicted to be impacted is critical for protein function (Ambry internal data). This variant was reported in individual(s) with features consistent with hearing loss (Wayne S et al. Hum Mol Genet, 2001 Feb;10:195-200; external communication). This alteration is expected to result in loss of function by premature protein truncation or nonsense-mediated mRNA decay. Based on the supporting evidence, this variant is likely to be pathogenic for EYA4-related non-syndromic hearing loss; however, the association of this alteration with cardiomyopathy is unknown.

Genetics Laboratory, Great Ormond Street Hospital NHS Foundation Trust, North Thames Genomic Laboratory Hub
Classification: Pathogenic for Monogenic hearing loss. Last evaluated: 2025-11-03. Review status: criteria provided, single submitter. Criteria: ACGS Best Practice Guidelines for Variant Classification in Rare Disease 2024 v1.2. Collection method: clinical testing. Allele origin: germline. Affected: yes.
Comment: PS4_supporting, PM2_moderate, PVS1_very-strong

Labcorp Genetics (formerly Invitae), Labcorp
Classification: Pathogenic for Dilated cardiomyopathy 1J. Last evaluated: 2025-01-07. Review status: criteria provided, single submitter. Criteria: Invitae Variant Classification Sherloc (09022015). Collection method: clinical testing. Allele origin: germline.
Comment: This sequence change creates a premature translational stop signal (p.Arg587*) in the EYA4 gene. It is expected to result in an absent or disrupted protein product. Loss-of-function variants in EYA4 are known to be pathogenic (PMID: 11159937, 25781927, 25963406). This variant is not present in population databases (gnomAD no frequency). This premature translational stop signal has been observed in individual(s) with autosomal dominant hearing loss (PMID: 11159937, 25681523). This variant is also known as 2200C>T. ClinVar contains an entry for this variant (Variation ID: 523780). Algorithms developed to predict the effect of sequence changes on RNA splicing suggest that this variant may disrupt the consensus splice site. For these reasons, this variant has been classified as Pathogenic.

GeneDx
Classification: Pathogenic. Last evaluated: 2023-12-09. Review status: criteria provided, single submitter. Criteria: GeneDx Variant Classification Process June 2021. Collection method: clinical testing. Allele origin: germline. Affected: yes.
Comment: Published functional studies show that R587X interrupts interaction with the SIX1 protein and results in rapid protein degradation (PMID: 15492887); Observed in patients with with hearing loss referred for genetic testing at GeneDx and in the published literature (PMID: 11159937); Nonsense variant predicted to result in protein truncation or nonsense mediated decay in a gene for which loss of function is a known mechanism of disease; Not observed at significant frequency in large population cohorts (gnomAD); This variant is associated with the following publications: (PMID: 25681523, 25963406, 31101089, 25525159, 11159937, 15492887)

OMIM
Classification: Pathogenic for DEAFNESS, AUTOSOMAL DOMINANT 10. Last evaluated: 2001-02-01. Review status: no assertion criteria provided. Collection method: literature only. Allele origin: germline. Not counted in ClinVar's aggregate classification.

Literature cited by the submitters: PubMed 11159937 (cited by 3 submitters); PubMed 15492887 (cited by Ambry Genetics); PubMed 25781927 (cited by Labcorp Genetics (formerly Invitae), Labcorp); PubMed 25963406 (cited by Labcorp Genetics (formerly Invitae), Labcorp); PubMed 25681523 (cited by Labcorp Genetics (formerly Invitae), Labcorp).